The following is an entry in ClinVar:

ClinVar aggregate classification (germline): Pathogenic (1 of 4 stars; one submission).

Conditions:
Primary ciliary dyskinesia. Also called: Ciliary dyskinesia. Identifiers: Orphanet 244, MedGen C0008780, MONDO:0016575, HP:0012265.

Submission:

Labcorp Genetics (formerly Invitae), Labcorp
Classification: Pathogenic for Primary ciliary dyskinesia. Last evaluated: 2023-05-11. Review status: criteria provided, single submitter. Criteria: Invitae Variant Classification Sherloc (09022015). Collection method: clinical testing. Allele origin: germline.
Comment: This variant is not present in population databases (gnomAD no frequency). For these reasons, this variant has been classified as Pathogenic. This variant disrupts a region of the RPGR (ORF15) protein in which other variant(s) (p.Leu1130Lysfs*13) have been determined to be pathogenic (PMID: 22264887; Invitae). This suggests that this is a clinically significant region of the protein, and that variants that disrupt it are likely to be disease-causing. This variant has not been reported in the literature in individuals affected with RPGR (ORF15)-related conditions. This sequence change creates a premature translational stop signal (p.Gly684Argfs*86) in the RPGR (ORF15) gene. While this is not anticipated to result in nonsense mediated decay, it is expected to disrupt the last 469 amino acid(s) of the RPGR (ORF15) protein.

Literature cited by the submitters: PubMed 22264887.

NM_001034853.2(RPGR):c.2048dup (p.Gly684fs)

Gene: RPGR (retinitis pigmentosa GTPase regulator; minus strand). Cytogenetic location: Xp11.4.
Variant type: Duplication.
Coding change: c.2048dup on transcript NM_001034853.2 (MANE Select); coding-DNA position 2048, one base duplicated (G; older notation c.2048dupG).
Protein change: p.Gly684fs; shifts the reading frame from glycine 684.
Molecular consequence: frameshift variant. On other transcripts: intron variant (8).
Genome position (GRCh38, 1-based): chrX:38,286,951, C duplicated on the plus strand (G on the coding strand, the reverse complement: RPGR is on the minus strand). VCF-style (leftmost placement, unchanged base first): chrX-38286950-T-TC. GRCh37 (hg19) VCF-style: chrX-38146203-T-TC.
Other names: c.1569+4008dup (NM_001367249.1, NM_001367250.1); c.1902+143dup (NM_001367245.1); c.1386+4008dup (NM_001367251.1); c.1719+143dup (NM_001367246.1); c.1572+4008dup (NM_001367247.1); c.1905+143dup (NM_000328.3); c.1602+4008dup (NM_001367248.1); short protein forms G684fs.
Identifiers: ClinVar variation 2863297 (VCV002863297.3), dbSNP rs2519794006, ClinGen allele CA2739273394.